The following is an entry in ClinVar:

NM_000350.3(ABCA4):c.4478G>A (p.Arg1493Lys)

Gene: ABCA4 (ATP binding cassette subfamily A member 4; minus strand). Cytogenetic location: 1p22.1.
Variant type: single nucleotide variant.
Coding change: c.4478G>A on transcript NM_000350.3 (MANE Select); coding-DNA position 4478, G replaced by A.
Protein change: p.Arg1493Lys; replaces arginine 1493 with lysine.
Molecular consequence: missense variant.
Genome position (GRCh38, 1-based): chr1:94,029,506, C>T on the plus strand (G>A on the coding strand, the complement: ABCA4 is on the minus strand). VCF-style: chr1-94029506-C-T. GRCh37 (hg19) VCF-style: chr1-94495062-C-T.
Other names: c.4256G>A, p.Arg1419Lys (NM_001425324.1); short protein forms R1419K, R1493K.
Identifiers: ClinVar variation 3392832 (VCV003392832.2).
Genomic context (GRCh38, chr1:94,029,506, plus strand): 5'-TGGGGGGGCGGGAGGCCCCCGGCACCCTCGGGGCACTCTGGCAGCATGGTGAGCTTCTCC[C>T]TGGTGCTGCACCTGCAGGATGGTGAAGGGTTGACCTGTGTCCATTTCTGCTTCTGGAACA-3'
Protein context (NP_000341.2, residues 1483-1503): NPSPSCRCST[Arg1493Lys]EKLTMLPECP

ClinVar aggregate classification (germline): Uncertain significance. Review status: criteria provided, multiple submitters, no conflicts (2 of 4 stars). 2 submissions from 2 submitters: Uncertain significance (2). Last evaluated 2024-09-27.

Submissions (2):

Blueprint Genetics
Classification: Uncertain significance. Last evaluated: 2024-09-27. Review status: criteria provided, single submitter. Criteria: ACMG Guidelines, 2015. Collection method: clinical testing. Allele origin: germline.

GeneDx
Classification: Uncertain significance. Last evaluated: 2024-06-26. Review status: criteria provided, single submitter. Criteria: GeneDx Variant Classification Process June 2021. Collection method: clinical testing. Allele origin: germline. Affected: yes.
Comment: In silico analysis indicates that this missense variant does not alter protein structure/function; Has not been previously published as pathogenic or benign to our knowledge